The following is an entry in ClinVar:

ClinVar aggregate classification (germline): Uncertain significance (1 of 4 stars; one submission).

Conditions:
Cardiovascular phenotype. Identifiers: MedGen CN230736.

Submission:

Ambry Genetics
Classification: Uncertain significance for Cardiovascular phenotype. Last evaluated: 2025-10-27. Review status: criteria provided, single submitter. Criteria: Ambry Variant Classification Scheme 2023. Collection method: clinical testing. Allele origin: germline.
Comment: The p.T548P variant (also known as c.1642A>C), located in coding exon 9 of the LDB3 gene, results from an A to C substitution at nucleotide position 1642. The threonine at codon 548 is replaced by proline, an amino acid with highly similar properties. This amino acid position is conserved. In addition, this alteration is predicted to be deleterious by in silico analysis. Based on the available evidence, the clinical significance of this variant remains unclear.

NM_007078.3(LDB3):c.1642A>C (p.Thr548Pro)

Gene: LDB3 (LIM domain binding 3; plus strand). Cytogenetic location: 10q23.2.
Variant type: single nucleotide variant.
Coding change: c.1642A>C on transcript NM_007078.3 (MANE Select); coding-DNA position 1642, A replaced by C.
Protein change: p.Thr548Pro; replaces threonine 548 with proline.
Molecular consequence: missense variant.
Genome position (GRCh38, 1-based): chr10:86,716,737, A>C. VCF-style: chr10-86716737-A-C. GRCh37 (hg19) VCF-style: chr10-88476494-A-C.
Other names: c.1312A>C, p.Thr438Pro (NM_001080114.2); c.1657A>C, p.Thr553Pro (NM_001171610.2); c.1453A>C, p.Thr485Pro (NM_001368064.1, NM_001368065.1); c.1501A>C, p.Thr501Pro (NM_001368066.1); short protein forms T548P, T438P, T553P, T485P, T501P.
Identifiers: ClinVar variation 4614493 (VCV004614493.1).